The following is an entry in ClinVar:

ClinVar aggregate classification (germline): Pathogenic (1 of 4 stars; one submission).

Submission:

Centre of Medical Genetics, University Hospital Muenster
Classification: Pathogenic. Last evaluated: 2021-12-20. Review status: criteria provided, single submitter. Criteria: ACMG Guidelines, 2015. Collection method: clinical testing. Allele origin: unknown. Affected: yes. Observed: 1 variant allele, 1 heterozygote.
Comment: ACMG categories: PVS1,PM2,PP4

NM_000444.6(PHEX):c.547_551dup (p.Phe185fs)

Gene: PHEX (phosphate regulating endopeptidase X-linked; plus strand). Cytogenetic location: Xp22.11.
Variant type: Duplication.
Coding change: c.547_551dup on transcript NM_000444.6 (MANE Select); coding-DNA positions 547 to 551, 5 bases duplicated (AGAAA; older notation c.547_551dupAGAAA).
Protein change: p.Phe185fs; shifts the reading frame from phenylalanine 185.
Molecular consequence: frameshift variant.
Genome position (GRCh38, 1-based): chrX:22,077,586-22,077,590, AGAAA duplicated. VCF-style (leftmost placement, unchanged base first): chrX-22077585-G-GAGAAA. GRCh37 (hg19) VCF-style: chrX-22095703-G-GAGAAA.
Other names: c.547_551dup, p.Phe185fs (NM_001282754.2); short protein forms F185fs.
Identifiers: ClinVar variation 1708355 (VCV001708355.3), dbSNP rs2519754273, ClinGen allele CA2580100464.